The following is an entry in ClinVar:

NM_001184880.2(PCDH19):c.1867G>T (p.Glu623Ter)

Gene: PCDH19 (protocadherin 19; minus strand). Cytogenetic location: Xq22.1.
Variant type: single nucleotide variant.
Coding change: c.1867G>T on transcript NM_001184880.2 (MANE Select); coding-DNA position 1867, G replaced by T.
Protein change: p.Glu623Ter; replaces glutamic acid 623 with a stop codon.
Molecular consequence: nonsense.
Genome position (GRCh38, 1-based): chrX:100,406,731, C>A on the plus strand (G>T on the coding strand, the complement: PCDH19 is on the minus strand). VCF-style: chrX-100406731-C-A. GRCh37 (hg19) VCF-style: chrX-99661729-C-A.
Other names: c.1867G>T, p.Glu623Ter (NM_001105243.2, NM_020766.3); short protein forms E623*.
Identifiers: ClinVar variation 3656913 (VCV003656913.2).
Genomic context (GRCh38, chrX:100,406,731, plus strand): 5'-CCACGATAAGCTCATAGGAGGACTTGGAGCTCTCCCCGAAGGTGCGGGTGGTTCTGACTT[C>A]GCCATTGACCTGGTCTATTTCAAAGAAGCCGCGGTCGCCCTCGGTCATGTCGTAGGTGAC-3'

ClinVar aggregate classification (germline): Pathogenic (1 of 4 stars; one submission).

Conditions:
Developmental and epileptic encephalopathy, 9 (DEE9). Also called: Early infantile epileptic encephalopathy 9; EPILEPSY, FEMALE-RESTRICTED, WITH MENTAL RETARDATION; JUBERG-HELLMAN SYNDROME; PCDH19-Related X-Linked Female-Limited Epilepsy with Mental Retardation. Identifiers: Orphanet 101039, Orphanet 2076, MedGen C1848137, MONDO:0010246, OMIM 300088. Disease mechanism: loss of function.

Submission:

Labcorp Genetics (formerly Invitae), Labcorp
Classification: Pathogenic for Developmental and epileptic encephalopathy, 9. Last evaluated: 2024-06-18. Review status: criteria provided, single submitter. Criteria: Invitae Variant Classification Sherloc (09022015). Collection method: clinical testing. Allele origin: germline.
Comment: This sequence change creates a premature translational stop signal (p.Glu623*) in the PCDH19 gene. It is expected to result in an absent or disrupted protein product. Loss-of-function variants in PCDH19 are known to be pathogenic (PMID: 21053371). This variant is not present in population databases (gnomAD no frequency). This variant has not been reported in the literature in individuals affected with PCDH19-related conditions. For these reasons, this variant has been classified as Pathogenic.

Literature cited by the submitters: PubMed 21053371.